The following is an entry in ClinVar:

NM_001375380.1(EBF3):c.*9A>G

Gene: EBF3 (EBF transcription factor 3; minus strand). Cytogenetic location: 10q26.3.
Variant type: single nucleotide variant.
Coding change: c.*9A>G on transcript NM_001375380.1 (MANE Select); 9 bases downstream of the stop codon, A replaced by G.
Molecular consequence: 3 prime UTR variant. On other transcripts: missense variant (4).
Genome position (GRCh38, 1-based): chr10:129,837,934, T>C on the plus strand (A>G on the coding strand, the complement: EBF3 is on the minus strand). VCF-style: chr10-129837934-T-C. GRCh37 (hg19) VCF-style: chr10-131636198-T-C.
Other names: c.1651A>G, p.Met551Val (NM_001005463.3); c.1786A>G, p.Met596Val (NM_001375379.1); c.*9A>G (NM_001375389.1, NM_001375390.1); c.1678A>G, p.Met560Val (NM_001375391.1); c.1570A>G, p.Met524Val (NM_001375392.1); short protein forms M524V, M551V, M560V, M596V.
Identifiers: ClinVar variation 3900930 (VCV003900930.2).

ClinVar aggregate classification (germline): Uncertain significance. Review status: criteria provided, multiple submitters, no conflicts (2 of 4 stars). 2 submissions from 2 submitters: Uncertain significance (2). Last evaluated 2025-07-02.

Conditions:
Inborn genetic diseases. Identifiers: MedGen C0950123, MeSH D030342.

Submissions (2):

Ambry Genetics
Classification: Uncertain significance for Inborn genetic diseases. Last evaluated: 2025-07-02. Review status: criteria provided, single submitter. Criteria: Ambry Variant Classification Scheme 2023. Collection method: clinical testing. Allele origin: germline.

GeneDx
Classification: Uncertain significance. Last evaluated: 2024-11-26. Review status: criteria provided, single submitter. Criteria: GeneDx Variant Classification Process June 2021. Collection method: clinical testing. Allele origin: germline. Affected: yes.
Comment: Not observed at significant frequency in large population cohorts (gnomAD); In silico analysis indicates that this missense variant does not alter protein structure/function; Has not been previously published as pathogenic or benign to our knowledge